The following is an entry in ClinVar:

ClinVar aggregate classification (germline): Uncertain significance. Review status: criteria provided, multiple submitters, no conflicts (2 of 4 stars). 3 submissions from 3 submitters: Uncertain significance (2). 1 of the submissions does not count toward it. Last evaluated 2022-10-17.

Conditions:
Cardiomyopathy (CMYO). Also called: Cardiomyopathies. Identifiers: Orphanet 167848, MedGen C0878544, MONDO:0004994, HP:0001638. Inheritance: Various modes of inheritance.
Duchenne muscular dystrophy (DMD). Also called: MUSCULAR DYSTROPHY, PSEUDOHYPERTROPHIC PROGRESSIVE, DUCHENNE TYPE; Duchenne Muscular Dystrophy (DMD). Identifiers: Orphanet 98896, MedGen C0013264, MONDO:0010679, OMIM 310200.
Becker muscular dystrophy (BMD). Also called: Becker Muscular Dystrophy (BMD); MUSCULAR DYSTROPHY, PSEUDOHYPERTROPHIC PROGRESSIVE, BECKER TYPE. Identifiers: Orphanet 98895, MedGen C0917713, MONDO:0010311, OMIM 300376.
Dystrophin deficiency.

Allele frequency attached by ClinVar (database versions not stated): gnomAD 0.00001.
gnomAD v4.1: 4 of 1,208,609 alleles (0.00033%); highest among the groups gnomAD compares: Non-Finnish European, 0.00045%; no homozygotes.

Submissions (3):

Labcorp Genetics (formerly Invitae), Labcorp
Classification: Uncertain significance for Duchenne muscular dystrophy. Last evaluated: 2022-10-17. Review status: criteria provided, single submitter. Criteria: Invitae Variant Classification Sherloc (09022015). Collection method: clinical testing. Allele origin: germline.
Comment: In summary, the available evidence is currently insufficient to determine the role of this variant in disease. Therefore, it has been classified as a Variant of Uncertain Significance. Advanced modeling of protein sequence and biophysical properties (such as structural, functional, and spatial information, amino acid conservation, physicochemical variation, residue mobility, and thermodynamic stability) performed at Invitae indicates that this missense variant is not expected to disrupt DMD protein function. ClinVar contains an entry for this variant (Variation ID: 228587). This variant has not been reported in the literature in individuals affected with DMD-related conditions. This variant is not present in population databases (gnomAD no frequency). This sequence change replaces arginine, which is basic and polar, with threonine, which is neutral and polar, at codon 1361 of the DMD protein (p.Arg1361Thr).

Laboratory for Molecular Medicine, Mass General Brigham Personalized Medicine
Classification: Uncertain significance. Last evaluated: 2015-07-28. Review status: criteria provided, single submitter. Criteria: LMM Criteria. Collection method: clinical testing. Allele origin: germline. Observed: 1 variant allele.
Comment: The p.Arg1361Thr variant in DMD has not been previously reported in individuals with cardiomyopathy or in large population studies. Computational prediction too ls and conservation analysis do not provide strong support for or against an imp act to the protein. In summary, the clinical significance of the p.Arg1361Thr va riant is uncertain.

Natera, Inc.
Classification: Uncertain significance for Becker muscular dystrophy; Cardiomyopathy; Duchenne muscular dystrophy; Dystrophin deficiency. Last evaluated: 2019-12-31. Review status: no assertion criteria provided. Collection method: clinical testing. Allele origin: germline. Not counted in ClinVar's aggregate classification.

NM_004006.3(DMD):c.4082G>C (p.Arg1361Thr)

Gene: DMD (dystrophin; minus strand). Cytogenetic location: Xp21.1.
Variant type: single nucleotide variant.
Coding change: c.4082G>C on transcript NM_004006.3 (MANE Select); coding-DNA position 4082, G replaced by C.
Protein change: p.Arg1361Thr; replaces arginine 1361 with threonine.
Molecular consequence: missense variant.
Genome position (GRCh38, 1-based): chrX:32,411,903, C>G on the plus strand (G>C on the coding strand, the complement: DMD is on the minus strand). VCF-style: chrX-32411903-C-G. GRCh37 (hg19) VCF-style: chrX-32430020-C-G.
Other names: c.4058G>C, p.Arg1353Thr (NM_000109.4); c.4070G>C, p.Arg1357Thr (NM_004009.3); c.3713G>C, p.Arg1238Thr (NM_004010.3); c.59G>C, p.Arg20Thr (NM_004011.4); c.50G>C, p.Arg17Thr (NM_004012.4); short protein forms R1361T, R1238T, R20T, R1353T, R1357T, R17T.
Identifiers: ClinVar variation 228587 (VCV000228587.10), dbSNP rs753639717, ClinGen allele CA10577166.